The following is an entry in ClinVar:

ClinVar aggregate classification (germline): Uncertain significance (1 of 4 stars; one submission).

Conditions:
Congenital disorder of deglycosylation (CDDG). Identifiers: MedGen C3808991, MONDO:0031376.

Allele frequency attached by ClinVar (database versions not stated): gnomAD 0.00001.
gnomAD v4.1: 1 of 1,613,870 alleles (0.000062%); highest among the groups gnomAD compares: African/African-American, 0.0013%; no homozygotes.

Submission:

Labcorp Genetics (formerly Invitae), Labcorp
Classification: Uncertain significance for Congenital disorder of deglycosylation. Last evaluated: 2023-12-07. Review status: criteria provided, single submitter. Criteria: Invitae Variant Classification Sherloc (09022015). Collection method: clinical testing. Allele origin: germline.
Comment: This sequence change replaces leucine, which is neutral and non-polar, with valine, which is neutral and non-polar, at codon 632 of the NGLY1 protein (p.Leu632Val). This variant is present in population databases (no rsID available, gnomAD 0.01%). This variant has not been reported in the literature in individuals affected with NGLY1-related conditions. ClinVar contains an entry for this variant (Variation ID: 2011697). Advanced modeling of protein sequence and biophysical properties (such as structural, functional, and spatial information, amino acid conservation, physicochemical variation, residue mobility, and thermodynamic stability) performed at Invitae indicates that this missense variant is not expected to disrupt NGLY1 protein function with a negative predictive value of 80%. Algorithms developed to predict the effect of sequence changes on RNA splicing suggest that this variant may create or strengthen a splice site. In summary, the available evidence is currently insufficient to determine the role of this variant in disease. Therefore, it has been classified as a Variant of Uncertain Significance.

NM_018297.4(NGLY1):c.1894C>G (p.Leu632Val)

Gene: NGLY1 (N-glycanase 1; minus strand). Cytogenetic location: 3p24.2.
Variant type: single nucleotide variant.
Coding change: c.1894C>G on transcript NM_018297.4 (MANE Select); coding-DNA position 1894, C replaced by G.
Protein change: p.Leu632Val; replaces leucine 632 with valine.
Molecular consequence: missense variant. On other transcripts: 3 prime UTR variant (1).
Genome position (GRCh38, 1-based): chr3:25,719,531, G>C on the plus strand (C>G on the coding strand, the complement: NGLY1 is on the minus strand). VCF-style: chr3-25719531-G-C. GRCh37 (hg19) VCF-style: chr3-25761022-G-C.
Other names: c.1840C>G, p.Leu614Val (NM_001145293.2); c.1768C>G, p.Leu590Val (NM_001145294.2); c.*39C>G (NM_001145295.2); short protein forms L632V, L590V, L614V.
Identifiers: ClinVar variation 2011697 (VCV002011697.2), dbSNP rs1308701388, ClinGen allele CA351893251.